The following is an entry in ClinVar:

NM_005629.4(SLC6A8):c.877dup (p.Leu293fs)

Gene: SLC6A8 (solute carrier family 6 member 8; plus strand). Cytogenetic location: Xq28.
Variant type: Duplication.
Coding change: c.877dup on transcript NM_005629.4 (MANE Select); coding-DNA position 877, one base duplicated (C; older notation c.877dupC).
Protein change: p.Leu293fs; shifts the reading frame from leucine 293.
Molecular consequence: frameshift variant.
Genome position (GRCh38, 1-based): chrX:153,693,140, C duplicated. VCF-style (leftmost placement, unchanged base first): chrX-153693139-T-TC. GRCh37 (hg19) VCF-style: chrX-152958594-T-TC.
Other names: c.877dup, p.Leu293fs (NM_001142805.2); c.532dup, p.Leu178fs (NM_001142806.1); short protein forms L178fs, L293fs.
Identifiers: ClinVar variation 3338372 (VCV003338372.1).
Genomic context (GRCh38, chrX:153,693,139, plus strand): 5'-GGTCGTGCTGCTGGTGCGTGGAGTGCTGCTGCCTGGCGCCCTGGATGGCATCATTTACTA[T>TC]CTCAAGCCTGACTGGTCAAAGCTGGGGTCCCCTCAGGTGAGGTGGAGGTGGAGAGGCTGC-3'

ClinVar aggregate classification (germline): Likely pathogenic (1 of 4 stars; one submission).

Conditions:
Creatine transporter deficiency (CCDS1). Also called: CEREBRAL CREATINE DEFICIENCY SYNDROME 1; Mental retardation , X-linked with seizures, short stature and midface hypoplasia; Mental retardation , X-linked, with creatine transport deficiency; X-linked creatine transporter deficiency; X-linked creatine deficiency syndrome; SLC6A8-Related Creatine Transporter Deficiency. Identifiers: Orphanet 52503, MedGen C1845862, MONDO:0010305, OMIM 300352.

Submission:

MVZ Medizinische Genetik Mainz
Classification: Likely pathogenic for Creatine transporter deficiency. Last evaluated: 2024-08-06. Review status: criteria provided, single submitter. Criteria: UK Practice Guidelines For Variant Classification V4 01 2020. Collection method: clinical testing. Allele origin: germline. Inheritance: X-linked dominant inheritance. Affected: yes. Observed: 1 variant allele.
Comment: ACMG Criteria: PVS1,PM2_SUP